The following is an entry in ClinVar:

ClinVar aggregate classification (germline): Likely benign (1 of 4 stars; one submission).

Conditions:
Epidermodysplasia verruciformis, susceptibility to, 3. Also called: Epidermodysplasia verruciformis 3. Identifiers: MedGen C4748876, MONDO:0032644, OMIM 618267.

Submission:

Centre for Medical Genetics,  Mumbai
Classification: Likely benign for Epidermodysplasia verruciformis, susceptibility to, 3. Last evaluated: 2026-02-23. Review status: criteria provided, single submitter. Criteria: ACMG Guidelines, 2015. Collection method: provider interpretation. Allele origin: germline. Inheritance: Autosomal recessive inheritance. Affected: no. Observed: 1 homozygote.
Comment: The variant satisfies PM2 criteria; Extremely low frequency in gnomAD population databases. The variant satisfies BP4 criteria; For a missense or a splice region variant, computational prediction tools unanimously support a benign effect on the gene. However, the variant satisfies BS2 criteria; present in homozygous state in an individual that clinically does not have Epidermodysplasia verruciformis, susceptibility to, 3.

Literature cited by the submitters: PubMed 30068544.

NM_006384.4(CIB1):c.436G>A (p.Ala146Thr)

Gene: CIB1 (calcium and integrin binding 1; minus strand). Cytogenetic location: 15q26.1.
Variant type: single nucleotide variant.
Coding change: c.436G>A on transcript NM_006384.4 (MANE Select); coding-DNA position 436, G replaced by A.
Protein change: p.Ala146Thr; replaces alanine 146 with threonine.
Molecular consequence: missense variant. On other transcripts: non-coding transcript variant (2).
Genome position (GRCh38, 1-based): chr15:90,231,124, C>T on the plus strand (G>A on the coding strand, the complement: CIB1 is on the minus strand). VCF-style: chr15-90231124-C-T. GRCh37 (hg19) VCF-style: chr15-90774356-C-T.
Other names: c.556G>A, p.Ala186Thr (NM_001277764.2); short protein forms A146T, A186T.
Identifiers: ClinVar variation 4796739 (VCV004796739.1).